The following is an entry in ClinVar:

NM_001365088.1(SLC12A6):c.1151C>G (p.Ser384Ter)

Gene: SLC12A6 (solute carrier family 12 member 6; minus strand). Cytogenetic location: 15q14.
Variant type: single nucleotide variant.
Coding change: c.1151C>G on transcript NM_001365088.1 (MANE Select); coding-DNA position 1151, C replaced by G.
Protein change: p.Ser384Ter; replaces serine 384 with a stop codon.
Molecular consequence: nonsense.
Genome position (GRCh38, 1-based): chr15:34,252,352, G>C on the plus strand (C>G on the coding strand, the complement: SLC12A6 is on the minus strand). VCF-style: chr15-34252352-G-C. GRCh37 (hg19) VCF-style: chr15-34544553-G-C.
Other names: c.974C>G, p.Ser325Ter (NM_001042494.2, NM_001042495.2); c.1124C>G, p.Ser375Ter (NM_001042496.2); c.1106C>G, p.Ser369Ter (NM_001042497.2); c.998C>G, p.Ser333Ter (NM_005135.2); c.1151C>G, p.Ser384Ter (NM_133647.2); short protein forms S333*, S369*, S325*, S375*, S384*.
Identifiers: ClinVar variation 1029941 (VCV001029941.1), dbSNP rs1892451015, ClinGen allele CA391607648.

ClinVar aggregate classification (germline): Pathogenic (1 of 4 stars; one submission).

Conditions:
Agenesis of the corpus callosum with peripheral neuropathy (ACCPN). Also called: POLYNEUROPATHY, SENSORIMOTOR, WITH OR WITHOUT AGENESIS OF THE CORPUS CALLOSUM; HMSN/ACC; CHARLEVOIX DISEASE; Hereditary Motor and Sensory Neuropathy with Agenesis of the Corpus Callosum. Identifiers: Orphanet 1496, MedGen C0795950, MONDO:0000902, OMIM 218000. Disease mechanism: loss of function.

Submission:

Baylor Genetics
Classification: Pathogenic for Agenesis of the corpus callosum with peripheral neuropathy. Last evaluated: 2020-06-03. Review status: criteria provided, single submitter. Criteria: ACMG Guidelines, 2015. Collection method: clinical testing. Allele origin: unknown. Affected: yes.
Comment: This variant was determined to be pathogenic according to ACMG Guidelines, 2015 [PMID:25741868].